The following is an entry in ClinVar:

NM_006015.6(ARID1A):c.494_502del (p.Ala165_Ala167del)

Gene: ARID1A (AT-rich interaction domain 1A; plus strand). Cytogenetic location: 1p36.11.
Variant type: Deletion.
Coding change: c.494_502del on transcript NM_006015.6 (MANE Select); coding-DNA positions 494 to 502, 9 bases deleted (CGGCCGCCG; older notation c.494_502delCGGCCGCCG).
Protein change: p.Ala165_Ala167del.
Molecular consequence: inframe deletion.
Genome position (GRCh38, 1-based): chr1:26,696,897-26,696,905, CGGCCGCCG deleted; deleting any 9 consecutive bases within chr1:26,696,890-26,696,905 gives the same sequence; the c. name uses the placement nearest the transcript's 3' end. VCF-style (leftmost placement, unchanged base first): chr1-26696889-CGCCGCCGCG-C. GRCh37 (hg19) VCF-style: chr1-27023380-CGCCGCCGCG-C.
Other names: c.494_502del, p.Ala165_Ala167del (NM_139135.4).
Identifiers: ClinVar variation 2983516 (VCV002983516.3), dbSNP rs1234708957, ClinGen allele CA734490980.

ClinVar aggregate classification (germline): Uncertain significance (1 of 4 stars; one submission).

Submission:

Labcorp Genetics (formerly Invitae), Labcorp
Classification: Uncertain significance. Last evaluated: 2023-08-11. Review status: criteria provided, single submitter. Criteria: Invitae Variant Classification Sherloc (09022015). Collection method: clinical testing. Allele origin: germline.
Comment: In summary, the available evidence is currently insufficient to determine the role of this variant in disease. Therefore, it has been classified as a Variant of Uncertain Significance. Experimental studies and prediction algorithms are not available or were not evaluated, and the functional significance of this variant is currently unknown. This variant has not been reported in the literature in individuals affected with ARID1A-related conditions. This variant is not present in population databases (gnomAD no frequency). This variant, c.494_502del, results in the deletion of 3 amino acid(s) of the ARID1A protein (p.Ala165_Ala167del), but otherwise preserves the integrity of the reading frame.